The following is an entry in ClinVar:

NM_001372051.1(CASP8):c.802+4C>A

Gene: CASP8 (caspase 8; plus strand). Cytogenetic location: 2q33.1.
Variant type: single nucleotide variant.
Coding change: c.802+4C>A on transcript NM_001372051.1 (MANE Select); 4 bases into the intron after coding-DNA position 802, C replaced by A.
Molecular consequence: intron variant. On other transcripts: 3 prime UTR variant (1), non-coding transcript variant (20).
Genome position (GRCh38, 1-based): chr2:201,276,972, C>A. VCF-style: chr2-201276972-C-A. GRCh37 (hg19) VCF-style: chr2-202141695-C-A.
Other names: c.*33C>A (NM_001400679.1); c.853+4C>A (NM_001228.5); c.802+4C>A (NM_001400651.1, NM_001400657.1, NM_001400648.1 and 6 more transcripts); c.757+4C>A (NM_001400663.1, NM_001400660.1, NM_001080124.2 and 5 more transcripts); c.160+4C>A (NM_001400677.1, NM_001400751.1, NM_001400678.1 and 2 more transcripts); c.493+4C>A (NM_001400669.1); c.187+4C>A (NM_001400680.1, NM_001400674.1); c.979+4C>A (NM_001080125.2); and 7 more.
Identifiers: ClinVar variation 653865 (VCV000653865.9), dbSNP rs746813867, ClinGen allele CA2053663.
Genomic context (GRCh38, chr2:201,276,972, plus strand): 5'-AGAAAGTGCCCAAACTTCACAGCATTAGGGACAGGAATGGAACACACTTGGATGCAGGTA[C>A]AGTAGAACCCAAAAGAGAAAAGTAAAATATTTCTTATGCCTATTTTTTTTTAAATCAAAA-3'

ClinVar aggregate classification (germline): Uncertain significance (1 of 4 stars; one submission).

Conditions:
Autoimmune lymphoproliferative syndrome type 2B. Also called: AUTOIMMUNE LYMPHOPROLIFERATIVE SYNDROME, TYPE IIB. Identifiers: Orphanet 275517, MedGen C1846545, MONDO:0011804, OMIM 607271.

Allele frequency attached by ClinVar (database versions not stated): ExAC 0.00001; gnomAD 0.00001; TOPMed 0.00001.
gnomAD v4.1: 1 of 1,603,254 alleles (0.000062%); highest among the groups gnomAD compares: Non-Finnish European, 0.000085%; no homozygotes.

Submission:

Labcorp Genetics (formerly Invitae), Labcorp
Classification: Uncertain significance for Autoimmune lymphoproliferative syndrome type 2B. Last evaluated: 2018-07-25. Review status: criteria provided, single submitter. Criteria: Invitae Variant Classification Sherloc (09022015). Collection method: clinical testing. Allele origin: germline.
Comment: This variant has not been reported in the literature in individuals with CASP8-related disease. In summary, the available evidence is currently insufficient to determine the role of this variant in disease. Therefore, it has been classified as a Variant of Uncertain Significance. Nucleotide substitutions within the consensus splice site are a relatively common cause of aberrant splicing (PMID: 17576681, 9536098). Algorithms developed to predict the effect of sequence changes on RNA splicing suggest that this variant may create or strengthen a splice site, but this prediction has not been confirmed by published transcriptional studies. This variant is present in population databases (rs746813867, ExAC 0.009%). This sequence change falls in intron 8 of the CASP8 gene. It does not directly change the encoded amino acid sequence of the CASP8 protein, but it affects a nucleotide within the consensus splice site of the intron.

Literature cited by the submitters: PubMed 17576681; PubMed 9536098.